The following is an entry in ClinVar:

NM_015474.4(SAMHD1):c.1693G>A (p.Ala565Thr)

Gene: SAMHD1 (SAM and HD domain containing deoxynucleoside triphosphate triphosphohydrolase 1; minus strand). Cytogenetic location: 20q11.23.
Variant type: single nucleotide variant.
Coding change: c.1693G>A on transcript NM_015474.4 (MANE Select); coding-DNA position 1693, G replaced by A.
Protein change: p.Ala565Thr; replaces alanine 565 with threonine.
Molecular consequence: missense variant.
Genome position (GRCh38, 1-based): chr20:36,897,875, C>T on the plus strand (G>A on the coding strand, the complement: SAMHD1 is on the minus strand). VCF-style: chr20-36897875-C-T. GRCh37 (hg19) VCF-style: chr20-35526278-C-T.
Other names: c.1693G>A (NM_015474.3); c.1588G>A, p.Ala530Thr (NM_001363729.2); c.1693G>A, p.Ala565Thr (NM_001363733.2); short protein forms A530T, A565T.
Identifiers: ClinVar variation 1018902 (VCV001018902.10), dbSNP rs779491090, ClinGen allele CA9844439.

ClinVar aggregate classification (germline): Uncertain significance. Review status: criteria provided, multiple submitters, no conflicts (2 of 4 stars). 5 submissions from 5 submitters: Uncertain significance (3). 2 of the submissions do not count toward it. Last evaluated 2024-12-02.

Conditions:
SAMHD1-related disorder. Also called: SAMHD1-related condition.
Aicardi Goutieres syndrome (AGS). Also called: Encephalopathy, familial infantile, with calcification of basal ganglia and chronic cerebrospinal fluid lymphocytosis. Identifiers: Orphanet 51, MedGen C0393591, MONDO:0018866.
Aicardi-Goutieres syndrome 5. Identifiers: Orphanet 51, MedGen C2749659, MONDO:0013059, OMIM 612952.

Allele frequency attached by ClinVar (database versions not stated): gnomAD exomes below 0.00001 and 0.00001; ExAC 0.00001; gnomAD 0.00001; TOPMed 0.00001.
gnomAD v4.1: 16 of 1,614,070 alleles (0.00099%); highest among the groups gnomAD compares: Non-Finnish European, 0.0013%; no homozygotes.

Submissions (5):

Women's Health and Genetics/Laboratory Corporation of America, LabCorp
Classification: Uncertain significance. Last evaluated: 2024-12-02. Review status: criteria provided, single submitter. Criteria: LabCorp Variant Classification Summary - May 2015. Collection method: clinical testing. Allele origin: germline.
Comment: Variant summary: SAMHD1 c.1693G>A (p.Ala565Thr) results in a non-conservative amino acid change in the encoded protein sequence. Three of four in-silico tools predict a damaging effect of the variant on protein function. The variant allele was found at a frequency of 4e-06 in 251452 control chromosomes (gnomAD). c.1693G>A has been reported in the literature in a homozygous individual affected with Aicardi Goutieres Syndrome who was also heterozygous with a pathogenic RNASEH2B variant (Crow_2015, Rice_2017). These data indicate that the variant may be associated with disease. To our knowledge, no experimental evidence demonstrating an impact on protein function has been reported. The following publications have been ascertained in the context of this evaluation (PMID: 25604658, 27943079). ClinVar contains an entry for this variant (Variation ID: 1018902). Based on the evidence outlined above, the variant was classified as VUS-possibly pathogenic.

Labcorp Genetics (formerly Invitae), Labcorp
Classification: Uncertain significance for Aicardi-Goutieres syndrome 5. Last evaluated: 2024-11-14. Review status: criteria provided, single submitter. Criteria: Invitae Variant Classification Sherloc (09022015). Collection method: clinical testing. Allele origin: germline.
Comment: This sequence change replaces alanine, which is neutral and non-polar, with threonine, which is neutral and polar, at codon 565 of the SAMHD1 protein (p.Ala565Thr). This variant is present in population databases (rs779491090, gnomAD 0.003%). This missense change has been observed in individual(s) with Aicardi Goutieres Syndrome (PMID: 25604658). ClinVar contains an entry for this variant (Variation ID: 1018902). Invitae Evidence Modeling of protein sequence and biophysical properties (such as structural, functional, and spatial information, amino acid conservation, physicochemical variation, residue mobility, and thermodynamic stability) has been performed for this missense variant. However, the output from this modeling did not meet the statistical confidence thresholds required to predict the impact of this variant on SAMHD1 protein function. In summary, the available evidence is currently insufficient to determine the role of this variant in disease. Therefore, it has been classified as a Variant of Uncertain Significance.

GeneDx
Classification: Uncertain significance. Last evaluated: 2023-07-07. Review status: criteria provided, single submitter. Criteria: GeneDx Variant Classification Process June 2021. Collection method: clinical testing. Allele origin: germline. Affected: yes.
Comment: Not observed at significant frequency in large population cohorts (gnomAD); In silico analysis supports that this missense variant has a deleterious effect on protein structure/function; This variant is associated with the following publications: (PMID: 27943079, 25604658)

PreventionGenetics, part of Exact Sciences
Classification: Likely pathogenic for SAMHD1-related condition. Last evaluated: 2024-08-27. Review status: no assertion criteria provided. Collection method: clinical testing. Allele origin: germline. Not counted in ClinVar's aggregate classification.
Comment: The SAMHD1 c.1693G>A variant is predicted to result in the amino acid substitution p.Ala565Thr. This variant has been reported in at least three individuals, two of whom were homozygotes (one with an additional variant in RNASEH2B) and considered AGS-positive (Table S5, Supplemental Figure 1E, Crow et al. 2015, PubMed ID: 25604658; Table S7, Rice et al. 2016. PubMed ID: 27943079). This variant is reported in 0.0033% of alleles in individuals of South Asian descent in gnomAD. Taken together, this variant is interpreted as likely pathogenic.

Natera, Inc.
Classification: Uncertain significance for Aicardi-Goutieres syndrome. Last evaluated: 2020-01-31. Review status: no assertion criteria provided. Collection method: clinical testing. Allele origin: germline. Not counted in ClinVar's aggregate classification.

Literature cited by the submitters: PubMed 25604658 (cited by Women's Health and Genetics/Laboratory Corporation of America, LabCorp and Labcorp Genetics (formerly Invitae), Labcorp); PubMed 27943079 (cited by Women's Health and Genetics/Laboratory Corporation of America, LabCorp).